The following is an entry in ClinVar:

ClinVar aggregate classification (germline): Uncertain significance (0 of 4 stars; one submission).

Conditions:
IFT27-related disorder. Also called: IFT27-related condition.

gnomAD v4.1: 1 of 1,598,660 alleles (0.000063%); highest among the groups gnomAD compares: Non-Finnish European, 0.000085%; no homozygotes.

Submission:

PreventionGenetics, part of Exact Sciences
Classification: Uncertain significance for IFT27-related condition. Last evaluated: 2024-09-09. Review status: no assertion criteria provided. Collection method: clinical testing. Allele origin: germline.
Comment: The IFT27 c.416C>T variant is predicted to result in the amino acid substitution p.Ala139Val. To our knowledge, this variant has not been reported in the literature or in a large population database, indicating this variant is rare. At this time, the clinical significance of this variant is uncertain due to the absence of conclusive functional and genetic evidence.

NM_001177701.3(IFT27):c.419C>T (p.Ala140Val)

Genes: CACNG2-DT (CACNG2 divergent transcript; plus strand), IFT27 (intraflagellar transport 27; minus strand). Cytogenetic location: 22q12.3.
Variant type: single nucleotide variant.
Coding change: c.419C>T on transcript NM_001177701.3 (MANE Select); coding-DNA position 419, C replaced by T.
Protein change: p.Ala140Val; replaces alanine 140 with valine.
Molecular consequence: missense variant.
Genome position (GRCh38, 1-based): chr22:36,762,947, G>A on the plus strand (C>T on the coding strand, the complement: IFT27 is on the minus strand). VCF-style: chr22-36762947-G-A. GRCh37 (hg19) VCF-style: chr22-37158991-G-A.
Other names: c.419C>T, p.Ala140Val (NM_001363003.2); c.416C>T, p.Ala139Val (NM_006860.5); short protein forms A139V, A140V.
Identifiers: ClinVar variation 3346494 (VCV003346494.1).